The following is an entry in ClinVar:

ClinVar aggregate classification (germline): Pathogenic. Review status: criteria provided, multiple submitters, no conflicts (2 of 4 stars). 2 submissions from 2 submitters: Pathogenic (2). Last evaluated 2026-01-28.

Conditions:
Inborn genetic diseases. Identifiers: MedGen C0950123, MeSH D030342.
Intellectual developmental disorder, autosomal dominant 1. Also called: Intellectual disability, autosomal dominant 1; MBD5 Haploinsufficiency. Identifiers: Orphanet 228402, MedGen C1969562, MONDO:0007974, OMIM 156200.

Submissions (2):

Labcorp Genetics (formerly Invitae), Labcorp
Classification: Pathogenic for Intellectual developmental disorder, autosomal dominant 1. Last evaluated: 2026-01-28. Review status: criteria provided, single submitter. Criteria: Invitae Variant Classification Sherloc (09022015). Collection method: clinical testing. Allele origin: germline.
Comment: This sequence change creates a premature translational stop signal (p.Trp25*) in the MBD5 gene. It is expected to result in an absent or disrupted protein product. Loss-of-function variants in MBD5 are known to be pathogenic (PMID: 23422940, 23587880). This variant is not present in population databases (gnomAD no frequency). This variant has not been reported in the literature in individuals affected with MBD5-related conditions. ClinVar contains an entry for this variant (Variation ID: 521204). For these reasons, this variant has been classified as Pathogenic.

Ambry Genetics
Classification: Pathogenic for Inborn genetic diseases. Last evaluated: 2016-07-20. Review status: criteria provided, single submitter. Criteria: Ambry exome assertion method (8-5-2015). Collection method: clinical testing. Allele origin: germline. Affected: yes. Observed: 1 variant allele.

Literature cited by the submitters: PubMed 23422940 (cited by Labcorp Genetics (formerly Invitae), Labcorp); PubMed 23587880 (cited by Labcorp Genetics (formerly Invitae), Labcorp).

NM_001378120.1(MBD5):c.75G>A (p.Trp25Ter)

Gene: MBD5 (methyl-CpG binding domain protein 5; plus strand). Cytogenetic location: 2q23.1.
Variant type: single nucleotide variant.
Coding change: c.75G>A on transcript NM_001378120.1 (MANE Select); coding-DNA position 75, G replaced by A.
Protein change: p.Trp25Ter; replaces tryptophan 25 with a stop codon.
Molecular consequence: nonsense.
Genome position (GRCh38, 1-based): chr2:148,458,833, G>A. VCF-style: chr2-148458833-G-A. GRCh37 (hg19) VCF-style: chr2-149216402-G-A.
Other names: c.75G>A, p.Trp25Ter (NM_018328.5); short protein forms W25*.
Identifiers: ClinVar variation 521204 (VCV000521204.5), dbSNP rs1553517456, ClinGen allele CA348715574.